The following is an entry in ClinVar:

NM_001379110.1(SLC9A6):c.*8A>T

Gene: SLC9A6 (solute carrier family 9 member A6; plus strand). Cytogenetic location: Xq26.3.
Variant type: single nucleotide variant.
Coding change: c.*8A>T on transcript NM_001379110.1 (MANE Select); 8 bases downstream of the stop codon, A replaced by T.
Molecular consequence: 3 prime UTR variant.
Genome position (GRCh38, 1-based): chrX:136,044,732, A>T. VCF-style: chrX-136044732-A-T. GRCh37 (hg19) VCF-style: chrX-135126891-A-T.
Other names: NM_006359.3(SLC9A6):c.*8A>T; c.*8A>T (NM_001042537.2, NM_001177651.2, NM_001330652.2 and 1 more transcripts).
Identifiers: ClinVar variation 139210 (VCV000139210.23), dbSNP rs200171451, ClinGen allele CA293619.

ClinVar aggregate classification (germline): Benign. Review status: reviewed by expert panel (3 of 4 stars). 9 submissions from 9 submitters: Benign (1). 8 of the submissions do not count toward it. Last evaluated 2022-02-18.

Conditions:
History of neurodevelopmental disorder. Identifiers: MedGen C2711754.
Christianson syndrome (MRXSCH). Also called: SLC9A6-Related Syndromic Mental Retardation; INTELLECTUAL DEVELOPMENTAL DISORDER, X-LINKED, SYNDROMIC, CHRISTIANSON TYPE; X-linked mental retardation, syndromic, Christianson type. Identifiers: Orphanet 85278, MedGen C2678194, MONDO:0010278, OMIM 300243.
Intellectual disability. Also called: Intellectual functioning disability; intellectual disabilities; Intellectual developmental disorder. Identifiers: MedGen C3714756, MeSH D008607, MONDO:0001071, HP:0001249.

Allele frequency attached by ClinVar (database versions not stated): 1000 Genomes Project 0.00053; 1000 Genomes Project 30x 0.00062; ESP Exome Variant Server 0.00114; TOPMed 0.00131; gnomAD 0.00149 and 0.00157; ExAC 0.00156; gnomAD exomes 0.00161 and 0.00226.
gnomAD v4.1: 2,613 of 1,207,064 alleles (0.22%); highest among the groups gnomAD compares: Non-Finnish European, 0.27%; 2 homozygotes.

Submissions (9):

ClinGen Rett and Angelman-like Disorders Variant Curation Expert Panel
Classification: Benign for Christianson syndrome. Last evaluated: 2022-02-18. Review status: reviewed by expert panel. Criteria: ClinGen RettAS ACMG Specifications V2. Collection method: curation. Allele origin: germline. Inheritance: X-linked inheritance.
Comment: The allele frequency of the c.*8A>T variant in SLC9A6 is 0.1% in gnomAD, which is high enough to be classified as benign based on thresholds defined by the ClinGen Rett/Angelman-like Expert Panel for Rett/AS-like conditions (BA1). In summary, the c.*8A>T variant in SLC9A6 is classified as benign based on the ACMG/AMP criteria (BA1).

ARUP Laboratories, Molecular Genetics and Genomics, ARUP Laboratories
Classification: Benign for Christianson syndrome. Last evaluated: 2025-03-20. Review status: criteria provided, single submitter. Criteria: ARUP Molecular Germline Variant Investigation Process 2024. Collection method: clinical testing. Allele origin: germline. Not counted in ClinVar's aggregate classification.

Labcorp Genetics (formerly Invitae), Labcorp
Classification: Benign for Christianson syndrome. Last evaluated: 2025-03-05. Review status: criteria provided, single submitter. Criteria: Invitae Variant Classification Sherloc (09022015). Collection method: clinical testing. Allele origin: germline. Not counted in ClinVar's aggregate classification.

Mayo Clinic Laboratories, Mayo Clinic
Classification: Benign. Last evaluated: 2024-12-17. Review status: criteria provided, single submitter. Criteria: ACMG Guidelines, 2015. Collection method: clinical testing. Allele origin: germline. Observed: 6 variant alleles. Not counted in ClinVar's aggregate classification.
Comment: BS1, BS2, BP4, BP7

Blueprint Genetics
Classification: Likely benign. Last evaluated: 2024-10-02. Review status: criteria provided, single submitter. Criteria: ACMG Guidelines, 2015. Collection method: clinical testing. Allele origin: germline. Not counted in ClinVar's aggregate classification.

Genetic Services Laboratory, University of Chicago
Classification: Benign. Last evaluated: 2017-08-18. Review status: criteria provided, single submitter. Criteria: ACMG Guidelines, 2015. Collection method: clinical testing. Allele origin: germline. Affected: no. Not counted in ClinVar's aggregate classification.

Ambry Genetics
Classification: Uncertain significance for History of neurodevelopmental disorder. Last evaluated: 2016-07-15. Review status: criteria provided, single submitter. Criteria: Ambry Autosomal Dominant and X-Linked criteria (10/2015). Collection method: clinical testing. Allele origin: germline. Observed: 1 variant allele. Not counted in ClinVar's aggregate classification.
Comment: There is insufficient or conflicting evidence for classification of this alteration.

GeneDx
Classification: Benign. Last evaluated: 2014-04-25. Review status: criteria provided, single submitter. Criteria: GeneDx Variant Classification (06012015). Collection method: clinical testing. Allele origin: germline. Affected: yes. Not counted in ClinVar's aggregate classification.
Comment: This variant is considered likely benign or benign based on one or more of the following criteria: it is a conservative change, it occurs at a poorly conserved position in the protein, it is predicted to be benign by multiple in silico algorithms, and/or has population frequency not consistent with disease.

Centre de Biologie Pathologie Génétique, Centre Hospitalier Universitaire de Lille
Classification: Likely benign for Intellectual disability. Last evaluated: 2019-01-01. Review status: no assertion criteria provided. Collection method: clinical testing. Allele origin: inherited. Affected: yes. Not counted in ClinVar's aggregate classification.